The following is an entry in ClinVar:

ClinVar aggregate classification (germline): Uncertain significance (1 of 4 stars; one submission).

Conditions:
Neurodevelopmental disorder with hypotonia and speech delay, with or without seizures (NEDHSS). Identifiers: MedGen C5830654, MONDO:0957541, OMIM 620455.

Submission:

Victorian Clinical Genetics Services, Murdoch Childrens Research Institute
Classification: Uncertain significance for Neurodevelopmental disorder with hypotonia and speech delay, with or without seizures. Last evaluated: 2024-12-09. Review status: criteria provided, single submitter. Criteria: ACMG Guidelines, 2015. Collection method: clinical testing. Allele origin: germline. Affected: yes.
Comment: This variant is classified as VUS-3A. Evidence in support of pathogenic classification: Variant is absent from gnomAD (v2, v3 and v4); Missense variant in a region that is highly intolerant to missense variation (high constraint region in DECIPHER); Evidence in support of benign classification: Missense variant consistently predicted to be tolerated by in silico tool or not conserved in placental mammals with a minor amino acid change. The variant is located at the first nucleotide of an exon and is highly conserved; however, a splice in silico tool does not predict an effect. Additional information: Variant is predicted to result in a missense amino acid change from isoleucine to valine; This variant is heterozygous; This gene is associated with both recessive and dominant disease (OMIM); This variant has no previous evidence of pathogenicity; No published segregation evidence has been identified for this variant; No published functional evidence has been identified for this variant; No comparable missense variants have previous evidence for pathogenicity; Loss of function is a known mechanism of disease in this gene and is associated with neurodevelopmental disorder with hypotonia and speech delay, with or without seizures (MIM#620455). Gain of function has been demonstrated for a single missense variant (PMID: 36528028).

Literature cited by the submitters: PubMed 36528028.

NM_001967.4(EIF4A2):c.349A>G (p.Ile117Val)

Gene: EIF4A2 (eukaryotic translation initiation factor 4A2; plus strand). Cytogenetic location: 3q27.3.
Variant type: single nucleotide variant.
Coding change: c.349A>G on transcript NM_001967.4 (MANE Select); coding-DNA position 349, A replaced by G.
Protein change: p.Ile117Val; replaces isoleucine 117 with valine.
Molecular consequence: missense variant.
Genome position (GRCh38, 1-based): chr3:186,785,883, A>G. VCF-style: chr3-186785883-A-G. GRCh37 (hg19) VCF-style: chr3-186503672-A-G.
Other names: short protein forms I117V.
Identifiers: ClinVar variation 4531888 (VCV004531888.1).